The following is an entry in ClinVar:

NM_017636.4(TRPM4):c.3329-11C>A

Gene: TRPM4 (transient receptor potential cation channel subfamily M member 4; plus strand). Cytogenetic location: 19q13.33.
Variant type: single nucleotide variant.
Coding change: c.3329-11C>A on transcript NM_017636.4 (MANE Select); 11 bases into the intron before coding-DNA position 3329, C replaced by A.
Molecular consequence: intron variant.
Genome position (GRCh38, 1-based): chr19:49,210,699, C>A. VCF-style: chr19-49210699-C-A. GRCh37 (hg19) VCF-style: chr19-49713956-C-A.
Other names: c.2894-11C>A (NM_001195227.2); c.1721-11C>A (NM_001321282.2); c.2984-11C>A (NM_001321281.2); c.2807-11C>A (NM_001321283.2); c.2267-11C>A (NM_001321285.2).
Identifiers: ClinVar variation 4729768 (VCV004729768.1).

ClinVar aggregate classification (germline): Uncertain significance (1 of 4 stars; one submission).

Conditions:
Progressive familial heart block type IB (PFHB1B). Identifiers: Orphanet 871, MedGen C1970298, MONDO:0011474, OMIM 604559.

Submission:

Labcorp Genetics (formerly Invitae), Labcorp
Classification: Uncertain significance for Progressive familial heart block type IB. Last evaluated: 2025-09-16. Review status: criteria provided, single submitter. Criteria: Invitae Variant Classification Sherloc (09022015). Collection method: clinical testing. Allele origin: germline.
Comment: This sequence change falls in intron 21 of the TRPM4 gene. It does not directly change the encoded amino acid sequence of the TRPM4 protein. This variant is not present in population databases (gnomAD no frequency). This variant has not been reported in the literature in individuals affected with TRPM4-related conditions. Algorithms developed to predict the effect of sequence changes on RNA splicing suggest that this variant may disrupt the consensus splice site. In summary, the available evidence is currently insufficient to determine the role of this variant in disease. Therefore, it has been classified as a Variant of Uncertain Significance.